The following is an entry in ClinVar:

ClinVar aggregate classification (germline): Uncertain significance. Review status: criteria provided, single submitter (1 of 4 stars). 2 submissions from 2 submitters: Uncertain significance (1). 1 of the submissions does not count toward it. Last evaluated 2023-08-10.

Conditions:
Glutaric acidemia type 2A.

Allele frequency attached by ClinVar (database versions not stated): gnomAD exomes below 0.00001.
gnomAD v4.1: 2 of 1,582,700 alleles (0.00013%); highest among the groups gnomAD compares: African/African-American, 0.0013%; no homozygotes.

Submissions (2):

Women's Health and Genetics/Laboratory Corporation of America, LabCorp
Classification: Uncertain significance. Last evaluated: 2023-08-10. Review status: criteria provided, single submitter. Criteria: LabCorp Variant Classification Summary - May 2015. Collection method: clinical testing. Allele origin: germline.
Comment: Variant summary: ETFA c.733G>A (p.Val245Ile) results in a conservative amino acid change located in the Electron transfer flavoprotein, alpha subunit, C-terminal domain (IPR014731) of the encoded protein sequence. Three of five in-silico tools predict a damaging effect of the variant on protein function. Several computational tools predict a significant impact on normal splicing: Two predict the variant abolishes a 5' splicing donor site, and two predict the variant weakens a 5' donor site. However, these predictions have yet to be confirmed by functional studies. The variant was absent in 251078 control chromosomes. The available data on variant occurrences in the general population are insufficient to allow any conclusion about variant significance. c.733G>A has been reported in the literature in the homozygous state in one individual with no specified phenotype (Stranneheim_2021). This report does not provide unequivocal conclusions about association of the variant with Glutaric Aciduria, Type 2a. To our knowledge, no experimental evidence demonstrating an impact on protein function has been reported. The following publication has been ascertained in the context of this evaluation (PMID: 33726816). No submitters have cited clinical-significance assessments for this variant to ClinVar after 2014. Based on the evidence outlined above, the variant was classified as uncertain significance.

Natera, Inc.
Classification: Uncertain significance for Glutaric acidemia type 2A. Last evaluated: 2025-03-17. Review status: no assertion criteria provided. Collection method: clinical testing. Allele origin: germline. Not counted in ClinVar's aggregate classification.

Literature cited by the submitters: PubMed 33726816 (cited by Women's Health and Genetics/Laboratory Corporation of America, LabCorp).

NM_000126.4(ETFA):c.733G>A (p.Val245Ile)

Gene: ETFA (electron transfer flavoprotein subunit alpha; minus strand). Cytogenetic location: 15q24.2.
Variant type: single nucleotide variant.
Coding change: c.733G>A on transcript NM_000126.4 (MANE Select); coding-DNA position 733, G replaced by A.
Protein change: p.Val245Ile; replaces valine 245 with isoleucine.
Molecular consequence: missense variant.
Genome position (GRCh38, 1-based): chr15:76,283,757, C>T on the plus strand (G>A on the coding strand, the complement: ETFA is on the minus strand). VCF-style: chr15-76283757-C-T. GRCh37 (hg19) VCF-style: chr15-76576098-C-T.
Other names: c.586G>A, p.Val196Ile (NM_001127716.2); short protein forms V196I, V245I.
Identifiers: ClinVar variation 2581622 (VCV002581622.2), dbSNP rs2543019922, ClinGen allele CA393512471.